The following is an entry in ClinVar:

ClinVar aggregate classification (germline): Conflicting classifications of pathogenicity. Review status: criteria provided, conflicting classifications (1 of 4 stars). 9 submissions from 9 submitters: Uncertain significance (1); Benign (3); Likely benign (5). Last evaluated 2026-01-31.

Conditions:
Inborn genetic diseases. Identifiers: MedGen C0950123, MeSH D030342.
Cornelia de Lange syndrome 1 (CDLS1). Also called: TYPUS DEGENERATIVUS AMSTELODAMENSIS; NIPBL-Related Cornelia de Lange Syndrome; Brachmann de Lange syndrome. Identifiers: Orphanet 199, MedGen C4551851, MONDO:0007387, OMIM 122470.

Allele frequency attached by ClinVar (database versions not stated): 1000 Genomes Project 30x 0.00016; 1000 Genomes Project 0.00020; ESP Exome Variant Server 0.00023; ExAC 0.00030; gnomAD exomes 0.00033 and 0.00067; gnomAD 0.00034 and 0.00037; TOPMed 0.00039.
gnomAD v4.1: 1,027 of 1,613,922 alleles (0.064%); highest among the groups gnomAD compares: Non-Finnish European, 0.08%; 3 homozygotes.

Submissions (9):

Labcorp Genetics (formerly Invitae), Labcorp
Classification: Benign for Cornelia de Lange syndrome 1. Last evaluated: 2026-01-31. Review status: criteria provided, single submitter. Criteria: Invitae Variant Classification Sherloc (09022015). Collection method: clinical testing. Allele origin: germline.

CeGaT Center for Human Genetics Tuebingen
Classification: Likely benign. Last evaluated: 2025-09-01. Review status: criteria provided, single submitter. Criteria: CeGaT Center For Human Genetics Tuebingen Variant Classification Criteria Version 2. Collection method: clinical testing. Allele origin: germline. Affected: yes. Observed: 1 variant allele.
Comment: NIPBL: BP4, BP7

Blueprint Genetics
Classification: Likely benign. Last evaluated: 2023-10-20. Review status: criteria provided, single submitter. Criteria: ACMG Guidelines, 2015. Collection method: clinical testing. Allele origin: germline.

Genome-Nilou Lab
Classification: Benign for Cornelia de Lange syndrome 1. Last evaluated: 2021-07-15. Review status: criteria provided, single submitter. Criteria: ACMG Guidelines, 2015. Collection method: clinical testing. Allele origin: germline. Affected: no.

GeneDx
Classification: Benign. Last evaluated: 2021-06-17. Review status: criteria provided, single submitter. Criteria: GeneDx Variant Classification Process June 2021. Collection method: clinical testing. Allele origin: germline. Affected: yes.

Illumina Laboratory Services, Illumina
Classification: Likely benign for Cornelia de Lange syndrome 1. Last evaluated: 2018-01-12. Review status: criteria provided, single submitter. Criteria: ICSL Variant Classification Criteria 13 December 2019. Collection method: clinical testing. Allele origin: germline.
Comment: This variant was observed in the ICSL laboratory as part of a predisposition screen in an ostensibly healthy population. It had not been previously curated by ICSL or reported in the Human Gene Mutation Database (HGMD: prior to June 1st, 2018), and was therefore a candidate for classification through an automated scoring system. Utilizing variant allele frequency, disease prevalence and penetrance estimates, and inheritance mode, an automated score was calculated to assess if this variant is too frequent to cause the disease. Based on the score and internal cut-off values, a variant classified as likely benign is not then subjected to further curation. The score for this variant resulted in a classification of likely benign for this disease.

Ambry Genetics
Classification: Likely benign for Inborn genetic diseases. Last evaluated: 2017-07-25. Review status: criteria provided, single submitter. Criteria: Ambry Variant Classification Scheme 2023. Collection method: clinical testing. Allele origin: germline.

Eurofins Ntd Llc (ga)
Classification: Likely benign. Last evaluated: 2015-07-02. Review status: criteria provided, single submitter. Criteria: EGL Classification Definitions 2015. Collection method: clinical testing. Allele origin: germline. Observed: 1 variant allele, 1 heterozygote.

Genetic Services Laboratory, University of Chicago
Classification: Uncertain significance for Cornelia de Lange syndrome 1. Last evaluated: 2013-02-08. Review status: criteria provided, single submitter. Criteria: ACMG Guidelines, 2007. Collection method: clinical testing. Allele origin: germline. Inheritance: Autosomal dominant inheritance.

NM_133433.4(NIPBL):c.4731A>G (p.Glu1577=)

Gene: NIPBL (NIPBL cohesin loading factor; plus strand). Cytogenetic location: 5p13.2.
Variant type: single nucleotide variant.
Coding change: c.4731A>G on transcript NM_133433.4 (MANE Select); coding-DNA position 4731, A replaced by G.
Protein change: p.Glu1577=; no amino-acid change (glutamic acid 1577 retained).
Molecular consequence: synonymous variant.
Genome position (GRCh38, 1-based): chr5:37,016,125, A>G. VCF-style: chr5-37016125-A-G. GRCh37 (hg19) VCF-style: chr5-37016227-A-G.
Other names: c.4731A>G, p.Glu1577= (NM_015384.5).
Identifiers: ClinVar variation 159128 (VCV000159128.35), dbSNP rs140021654, ClinGen allele CA272127.